The following is an entry in ClinVar:

NM_201384.3(PLEC):c.3803G>A (p.Cys1268Tyr)

Gene: PLEC (plectin; minus strand). Cytogenetic location: 8q24.3.
Variant type: single nucleotide variant.
Coding change: c.3803G>A on transcript NM_201384.3 (MANE Select); coding-DNA position 3803, G replaced by A.
Protein change: p.Cys1268Tyr; replaces cysteine 1268 with tyrosine.
Molecular consequence: missense variant.
Genome position (GRCh38, 1-based): chr8:143,927,289, C>T on the plus strand (G>A on the coding strand, the complement: PLEC is on the minus strand). VCF-style: chr8-143927289-C-T. GRCh37 (hg19) VCF-style: chr8-145001457-C-T.
Other names: c.3884G>A, p.Cys1295Tyr (NM_000445.5, NM_001410941.1); c.3761G>A, p.Cys1254Tyr (NM_201378.4); c.3737G>A, p.Cys1246Tyr (NM_201379.3); c.4214G>A, p.Cys1405Tyr (NM_201380.4); c.3707G>A, p.Cys1236Tyr (NM_201381.3); c.3803G>A, p.Cys1268Tyr (NM_201382.4); c.3815G>A, p.Cys1272Tyr (NM_201383.3); short protein forms C1295Y, C1272Y, C1236Y, C1254Y, C1246Y, C1268Y, C1405Y.
Identifiers: ClinVar variation 2944707 (VCV002944707.3), dbSNP rs2538255952, ClinGen allele CA372564506.

ClinVar aggregate classification (germline): Uncertain significance (1 of 4 stars; one submission).

Conditions:
Epidermolysis bullosa simplex with nail dystrophy (EBS5D). Identifiers: MedGen C4225309, MONDO:0014661, OMIM 616487.
Epidermolysis bullosa simplex, Ogna type (EBS5A). Also called: Pidermolysis bullosa simplex 5A, Ogna type; EPIDERMOLYSIS BULLOSA SIMPLEX 5A, OGNA TYPE. Identifiers: Orphanet 79401, MedGen C0432317, MONDO:0007555, OMIM 131950.
Autosomal recessive limb-girdle muscular dystrophy type 2Q (LGMDR17). Also called: MUSCULAR DYSTROPHY, LIMB-GIRDLE, AUTOSOMAL RECESSIVE 17. Identifiers: Orphanet 254361, MedGen C3150989, MONDO:0013390, OMIM 613723.
Epidermolysis bullosa simplex 5B, with muscular dystrophy (EBS5B). Also called: EPIDERMOLYSIS BULLOSA SIMPLEX AND LIMB-GIRDLE MUSCULAR DYSTROPHY; Epidermolysis bullosa simplex with muscular dystrophy. Identifiers: Orphanet 257, MedGen C2931072, MONDO:0009181, OMIM 226670.
Epidermolysis bullosa simplex 5C, with pyloric atresia (EBS5C). Also called: PLEC-Related Epidermolysis Bullosa with Pyloric Atresia; Epidermolysis bullosa simplex with pyloric atresia; PLEC1-Related Epidermolysis Bullosa with Pyloric Atresia. Identifiers: Orphanet 158684, MedGen C2677349, MONDO:0012807, OMIM 612138.

Submission:

Labcorp Genetics (formerly Invitae), Labcorp
Classification: Uncertain significance for Autosomal recessive limb-girdle muscular dystrophy type 2Q; Epidermolysis bullosa simplex, Ogna type; Epidermolysis bullosa simplex with nail dystrophy; Epidermolysis bullosa simplex 5C, with pyloric atresia; Epidermolysis bullosa simplex 5B, with muscular dystrophy. Last evaluated: 2023-05-31. Review status: criteria provided, single submitter. Criteria: Invitae Variant Classification Sherloc (09022015). Collection method: clinical testing. Allele origin: germline.
Comment: In summary, the available evidence is currently insufficient to determine the role of this variant in disease. Therefore, it has been classified as a Variant of Uncertain Significance. Advanced modeling of protein sequence and biophysical properties (such as structural, functional, and spatial information, amino acid conservation, physicochemical variation, residue mobility, and thermodynamic stability) performed at Invitae indicates that this missense variant is not expected to disrupt PLEC protein function. This variant has not been reported in the literature in individuals affected with PLEC-related conditions. This variant is not present in population databases (gnomAD no frequency). This sequence change replaces cysteine, which is neutral and slightly polar, with tyrosine, which is neutral and polar, at codon 1295 of the PLEC protein (p.Cys1295Tyr).